The following is an entry in ClinVar:

ClinVar aggregate classification (germline): Conflicting classifications of pathogenicity. Review status: criteria provided, conflicting classifications (1 of 4 stars). 6 submissions from 6 submitters: Uncertain significance (4); Likely benign (1). 1 of the submissions does not count toward it. Last evaluated 2025-11-05.

Conditions:
Hereditary breast ovarian cancer syndrome. Also called: Hereditary breast and ovarian cancer syndrome; Hereditary breast and ovarian cancer syndrome (HBOC); BRCA1- and BRCA2-Associated Hereditary Breast and Ovarian Cancer; Breast and ovarian cancer; Hereditary breast and ovarian cancer; Hereditary breast and/or ovarian cancer syndrome. Identifiers: Orphanet 145, MedGen C0677776, MeSH D061325, MONDO:0003582. Disease mechanism: loss of function.
Hereditary cancer-predisposing syndrome. Also called: Hereditary Cancer Syndrome; Hereditary neoplastic syndrome; Tumor predisposition; Neoplastic Syndromes, Hereditary. Identifiers: Orphanet 140162, MedGen C0027672, MeSH D009386, MONDO:0015356.
Breast-ovarian cancer, familial, susceptibility to, 1 (BROVCA1). Also called: OVARIAN CANCER, SUSCEPTIBILITY TO; BRCA1 Hereditary Breast and Ovarian Cancer. Identifiers: Orphanet 145, MedGen C2676676, MONDO:0011450, OMIM 604370. Disease mechanism: loss of function.

Allele frequency attached by ClinVar (database versions not stated): TOPMed below 0.00001; gnomAD exomes below 0.00001; gnomAD 0.00001.

Submissions (6):

Labcorp Genetics (formerly Invitae), Labcorp
Classification: Uncertain significance for Hereditary breast ovarian cancer syndrome. Last evaluated: 2025-11-05. Review status: criteria provided, single submitter. Criteria: Invitae Variant Classification Sherloc (09022015). Collection method: clinical testing. Allele origin: germline.
Comment: This sequence change replaces methionine, which is neutral and non-polar, with isoleucine, which is neutral and non-polar, at codon 1137 of the BRCA1 protein (p.Met1137Ile). This variant is present in population databases (rs786202900, gnomAD 0.004%). This variant has not been reported in the literature in individuals affected with BRCA1-related conditions. ClinVar contains an entry for this variant (Variation ID: 186375). Invitae Evidence Modeling of protein sequence and biophysical properties (such as structural, functional, and spatial information, amino acid conservation, physicochemical variation, residue mobility, and thermodynamic stability) indicates that this missense variant is not expected to disrupt BRCA1 protein function with a negative predictive value of 80%. In summary, the available evidence is currently insufficient to determine the role of this variant in disease. Therefore, it has been classified as a Variant of Uncertain Significance.

Ambry Genetics
Classification: Uncertain significance for Hereditary cancer-predisposing syndrome. Last evaluated: 2024-10-19. Review status: criteria provided, single submitter. Criteria: Ambry Variant Classification Scheme 2023. Collection method: clinical testing. Allele origin: germline.
Comment: The p.M1137I variant (also known as c.3411G>A), located in coding exon 9 of the BRCA1 gene, results from a G to A substitution at nucleotide position 3411. The methionine at codon 1137 is replaced by isoleucine, an amino acid with highly similar properties. This amino acid position is not well conserved in available vertebrate species. In addition, this alteration is predicted to be tolerated by in silico analysis. Since supporting evidence is limited at this time, the clinical significance of this alteration remains unclear.

Quest Diagnostics Nichols Institute San Juan Capistrano
Classification: Uncertain significance. Last evaluated: 2024-08-21. Review status: criteria provided, single submitter. Criteria: Quest Diagnostics criteria. Collection method: clinical testing. Allele origin: unknown.
Comment: The BRCA1 c.3411G>A (p.Met1137Ile) variant has been reported in the published literature in to be located in a region of the BRCA1 gene that is tolerant to missense sequence changes (PMID: 31911673 (2020)). This variant has not been reported in individuals with BRCA1-related disorders. The frequency of this variant in the general population, 0.0000071 (2/282406 chromosomes (Genome Aggregation Database)), is uninformative in the assessment of its pathogenicity. Analysis of this variant using bioinformatics tools for the prediction of the effect of amino acid changes on protein structure and function yielded predictions that this variant is benign. Based on the available information, we are unable to determine the clinical significance of this variant.

Color Diagnostics, LLC DBA Color Health
Classification: Uncertain significance for Hereditary cancer-predisposing syndrome. Last evaluated: 2023-11-14. Review status: criteria provided, single submitter. Criteria: ACMG Guidelines, 2015. Collection method: clinical testing. Allele origin: germline.
Comment: This missense variant replaces methionine with isoleucine at codon 1137 of the BRCA1 protein. Computational prediction suggests that this variant may not impact protein structure and function. To our knowledge, functional studies have not been reported for this variant. This variant has not been reported in individuals affected with BRCA1-related disorders in the literature. This variant has been identified in 2/282406 chromosomes in the general population by the Genome Aggregation Database (gnomAD). The available evidence is insufficient to determine the role of this variant in disease conclusively. Therefore, this variant is classified as a Variant of Uncertain Significance.

University of Washington Department of Laboratory Medicine, University of Washington
Classification: Likely benign for Hereditary cancer-predisposing syndrome. Last evaluated: 2023-03-23. Review status: criteria provided, single submitter. Criteria: Dines et al. (Genet Med. 2020). Collection method: curation. Allele origin: germline.
Comment: Missense variant in a coldspot region where missense variants are very unlikely to be pathogenic (PMID:31911673).

BRCA1 coldspot (exon 11 using historical exon numbering). Reclassification based on statistical prior probability

Counsyl
Classification: Uncertain significance for Breast-ovarian cancer, familial, susceptibility to, 1. Last evaluated: 2016-09-07. Review status: no assertion criteria provided. Collection method: clinical testing. Allele origin: unknown. Not counted in ClinVar's aggregate classification.

Literature cited by the submitters: PubMed 31911673 (cited by Quest Diagnostics Nichols Institute San Juan Capistrano).

NM_007294.4(BRCA1):c.3411G>A (p.Met1137Ile)

Genes: BRCA1 (BRCA1 DNA repair associated; minus strand), LOC126862571 (BRD4-independent group 4 enhancer GRCh37_chr17:41243136-41244335; plus strand). Cytogenetic location: 17q21.31.
Variant type: single nucleotide variant.
Coding change: c.3411G>A on transcript NM_007294.4 (MANE Select); coding-DNA position 3411, G replaced by A.
Protein change: p.Met1137Ile; replaces methionine 1137 with isoleucine.
Molecular consequence: missense variant. On other transcripts: intron variant (135).
Genome position (GRCh38, 1-based): chr17:43,092,120, C>T on the plus strand (G>A on the coding strand, the complement: BRCA1 is on the minus strand). VCF-style: chr17-43092120-C-T. GRCh37 (hg19) VCF-style: chr17-41244137-C-T.
Other names: c.785-1088G>A (NM_001408402.1, NM_001408473.1, NM_001408399.1 and 13 more transcripts); c.665-1088G>A (NM_001408443.1, NM_001408439.1, NM_001408425.1 and 12 more transcripts); c.671-1088G>A (NM_001408419.1, NM_001408422.1, NM_001408418.1 and 2 more transcripts); c.788-1088G>A (NM_001408403.1, NM_001407983.1, NM_001407975.1 and 17 more transcripts); c.791-1097G>A (NM_001408406.1); c.647-1088G>A (NM_001408456.1, NM_001408410.1, NM_001408458.1 and 11 more transcripts); c.644-1088G>A (NM_001408465.1, NM_001408463.1, NM_001408462.1 and 3 more transcripts); c.578-1088G>A (NM_001408482.1, NM_001408484.1, NM_001408478.1 and 9 more transcripts); and 41 more; short protein forms M1137I, M1090I, M1010I, M1026I, M1048I, M1070I, M1111I, M1136I.
Identifiers: ClinVar variation 186375 (VCV000186375.27), dbSNP rs786202900, ClinGen allele CA002205.
Genomic context (GRCh38, chr17:43,092,120, plus strand): 5'-ACCATCATCTAACAGGTCATCAGGTGTCTCAGAACAAACCTGAGATGCATGACTACTTCC[C>T]ATAGGCTGTTCTAAGTTATCTGAAATCAGATATGGAGAGAAATCTGTATTAACAGTCTGA-3'
Protein context (NP_009225.1, residues 1127-1147): YLISDNLEQP[Met1137Ile]GSSHASQVCS